The following is an entry in ClinVar:

ClinVar aggregate classification (germline): Uncertain significance (1 of 4 stars; one submission).

gnomAD v4.1: 38 of 1,597,734 alleles (0.0024%); highest among the groups gnomAD compares: Non-Finnish European, 0.0031%; no homozygotes.

Submission:

Labcorp Genetics (formerly Invitae), Labcorp
Classification: Uncertain significance. Last evaluated: 2024-02-23. Review status: criteria provided, single submitter. Criteria: Invitae Variant Classification Sherloc (09022015). Collection method: clinical testing. Allele origin: germline.
Comment: This sequence change replaces valine, which is neutral and non-polar, with isoleucine, which is neutral and non-polar, at codon 70 of the NAF1 protein (p.Val70Ile). The frequency data for this variant in the population databases is considered unreliable, as metrics indicate poor data quality at this position in the gnomAD database. This variant has not been reported in the literature in individuals affected with NAF1-related conditions. An algorithm developed to predict the effect of missense changes on protein structure and function (PolyPhen-2) suggests that this variant is likely to be tolerated. In summary, the available evidence is currently insufficient to determine the role of this variant in disease. Therefore, it has been classified as a Variant of Uncertain Significance.

NM_138386.3(NAF1):c.208G>A (p.Val70Ile)

Gene: NAF1 (nuclear assembly factor 1 ribonucleoprotein; minus strand). Cytogenetic location: 4q32.2.
Variant type: single nucleotide variant.
Coding change: c.208G>A on transcript NM_138386.3 (MANE Select); coding-DNA position 208, G replaced by A.
Protein change: p.Val70Ile; replaces valine 70 with isoleucine.
Molecular consequence: missense variant.
Genome position (GRCh38, 1-based): chr4:163,166,520, C>T on the plus strand (G>A on the coding strand, the complement: NAF1 is on the minus strand). VCF-style: chr4-163166520-C-T. GRCh37 (hg19) VCF-style: chr4-164087672-C-T.
Other names: c.208G>A, p.Val70Ile (NM_001128931.2); short protein forms V70I.
Identifiers: ClinVar variation 3623485 (VCV003623485.2).
Genomic context (GRCh38, chr4:163,166,520, plus strand): 5'-GCGATTCAGCCGGTGGCTGTGGCTGCGGCGCCGGGGTCCCGGCCGCGACGGCGTTCAGAA[C>T]GGGCTGCAGAGGCTGCTCCCCGGCAGGCTTAACCTCCACGGTCTGCCCAGCGTCCGGGGA-3'
Protein context (NP_612395.2, residues 60-80): KPAGEQPLQP[Val70Ile]LNAVAAGTPA